The following is an entry in ClinVar:

ClinVar aggregate classification (germline): Pathogenic (1 of 4 stars; one submission).

Conditions:
Early-infantile DEE. Also called: Early infantile epileptic encephalopathy; Early infantile epileptic encephalopathy with suppression bursts; Ohtahara syndrome. Identifiers: Orphanet 1934, MedGen C0393706, MONDO:0800491.

Submission:

Labcorp Genetics (formerly Invitae), Labcorp
Classification: Pathogenic for Early-infantile DEE. Last evaluated: 2020-08-15. Review status: criteria provided, single submitter. Criteria: Invitae Variant Classification Sherloc (09022015). Collection method: clinical testing. Allele origin: germline.
Comment: For these reasons, this variant has been classified as Pathogenic. While this particular variant has not been reported in the literature, loss-of-function variants in SCN1A are known to be pathogenic (PMID: 17347258, 18930999). This sequence change creates a premature translational stop signal at codon 754 (p.Trp754*) of the SCN1A gene. It is expected to result in an absent or disrupted protein product.

Literature cited by the submitters: PubMed 17347258; PubMed 18930999.

NM_001165963.4(SCN1A):c.2261G>A (p.Trp754Ter)

Gene: SCN1A (sodium voltage-gated channel alpha subunit 1; minus strand). Cytogenetic location: 2q24.3.
Variant type: single nucleotide variant.
Coding change: c.2261G>A on transcript NM_001165963.4 (MANE Select); coding-DNA position 2261, G replaced by A.
Protein change: p.Trp754Ter; replaces tryptophan 754 with a stop codon.
Molecular consequence: nonsense. On other transcripts: 5 prime UTR variant (1), non-coding transcript variant (1).
Genome position (GRCh38, 1-based): chr2:166,041,385, C>T on the plus strand (G>A on the coding strand, the complement: SCN1A is on the minus strand). VCF-style: chr2-166041385-C-T. GRCh37 (hg19) VCF-style: chr2-166897895-C-T.
Other names: c.2177G>A, p.Trp726Ter (NM_001165964.3, NM_001353957.2, NM_001353958.2); c.2261G>A, p.Trp754Ter (NM_001202435.3, NM_001353948.2); c.2228G>A, p.Trp743Ter (NM_001353949.2, NM_001353950.2, NM_001353951.2 and 2 more transcripts); c.2225G>A, p.Trp742Ter (NM_001353954.2, NM_001353955.2); c.2174G>A, p.Trp725Ter (NM_001353960.2); c.-198G>A (NM_001353961.2); short protein forms W743*, W754*, W725*, W726*, W742*.
Identifiers: ClinVar variation 461248 (VCV000461248.9), dbSNP rs794726743, ClinGen allele CA349064816.